The following is an entry in ClinVar:

ClinVar aggregate classification (germline): Pathogenic/Likely pathogenic. Review status: criteria provided, multiple submitters, no conflicts (2 of 4 stars). 17 submissions from 17 submitters: Pathogenic (14); Likely pathogenic (1). 2 of the submissions do not count toward it. Last evaluated 2026-01-06.

Conditions:
CLCN1-related disorder. Also called: CLCN1-related condition.
Congenital myotonia, autosomal dominant form (THD). Also called: THOMSEN DISEASE; Myotonia congenita autosomal dominant. Identifiers: Orphanet 614, MedGen C2936781, MONDO:0008055, OMIM 160800.
Congenital myotonia, autosomal recessive form. Also called: Becker Generalized Myotonia; myotonia congenita, autosomal recessive; BECKER DISEASE. Identifiers: Orphanet 614, MedGen C0751360, MONDO:0009715, OMIM 255700.

Allele frequency attached by ClinVar (database versions not stated): gnomAD 0.00001; TOPMed 0.00001; gnomAD exomes 0.00002 and 0.00003; ExAC 0.00004; ESP Exome Variant Server 0.00008.
gnomAD v4.1: 47 of 1,610,876 alleles (0.0029%); highest among the groups gnomAD compares: Non-Finnish European, 0.0038%; no homozygotes.

Submissions (17):

Labcorp Genetics (formerly Invitae), Labcorp
Classification: Pathogenic for Congenital myotonia, autosomal recessive form; Congenital myotonia, autosomal dominant form. Last evaluated: 2026-01-06. Review status: criteria provided, single submitter. Criteria: Invitae Variant Classification Sherloc (09022015). Collection method: clinical testing. Allele origin: germline.
Comment: This sequence change affects a donor splice site in intron 13 of the CLCN1 gene. It is expected to disrupt RNA splicing. Variants that disrupt the donor or acceptor splice site typically lead to a loss of protein function (PMID: 16199547), and loss-of-function variants in CLCN1 are known to be pathogenic (PMID: 17932099, 22094069, 23739125). This variant is present in population databases (rs375596425, gnomAD 0.008%), including at least one homozygous and/or hemizygous individual. Disruption of this splice site has been observed in individual(s) with autosomal recessive myotonia congenita (PMID: 8533761, 22094069, 22521272, 24349310, 27614575). In at least one individual the data is consistent with being in trans (on the opposite chromosome) from a pathogenic variant. ClinVar contains an entry for this variant (Variation ID: 447052). Algorithms developed to predict the effect of sequence changes on RNA splicing suggest that this variant may disrupt the consensus splice site. For these reasons, this variant has been classified as Pathogenic.

Variantyx, Inc.
Classification: Pathogenic for Congenital myotonia, autosomal recessive form. Last evaluated: 2025-12-15. Review status: criteria provided, single submitter. Criteria: Variantyx Assertion Criteria 2022. Collection method: clinical testing. Allele origin: germline. Inheritance: Autosomal recessive inheritance. Affected: no.
Comment: This is a canonical splicing variant in the CLCN1 gene (OMIM: 118425). Pathogenic variants in this gene have been associated with autosomal recessive myotonia congenita. This splicing variant is expected to result in loss of function, which is a known disease mechanism for CLCN1 in this disorder (PMID: 39712484, 27614575) (PVS1). This variant has been identified in the homozygous or compound heterozygous state in at least three individuals reported in the published literature (PMID: 27614575) (PM3) and has a 0.0038% maximum allele frequency in non-founder control populations (PM2). Based on the current evidence, this variant is classified as pathogenic for autosomal recessive myotonia congenita.

Blueprint Genetics
Classification: Pathogenic for CLCN1-related disorders. Last evaluated: 2024-11-06. Review status: criteria provided, single submitter. Criteria: ACMG Guidelines, 2015. Collection method: clinical testing. Allele origin: germline. Affected: yes. Observed: 5 variant alleles.

3billion
Classification: Pathogenic for Congenital myotonia, autosomal recessive form. Last evaluated: 2024-07-23. Review status: criteria provided, single submitter. Criteria: ACMG Guidelines, 2015. Collection method: clinical testing. Allele origin: germline. Affected: yes.
Comment: The variant is observed at an extremely low frequency in the gnomAD v4.0.0 dataset (total allele frequency: 0.003%). Predicted Consequence/Location: Canonical splice site: predicted to alter splicing and result in a loss or disruption of normal protein function. Multiple pathogenic loss-of-function variants are reported downstream of the variant. In silico tools predict the variant to alter splicing and produce an abnormal transcript [SpliceAI: 0.93 (spliceogenicity >=0.2, non-spliceogenicity <0.1)]. The variant has been reported at least twice as pathogenic with clinical assertions and evidence for the classification (ClinVar ID: VCV000447052 /PMID: 8533761 /3billion dataset). Therefore, this variant is classified as Pathogenic according to the recommendation of ACMG/AMP guideline.

Fulgent Genetics
Classification: Pathogenic for Congenital myotonia, autosomal dominant form; Congenital myotonia, autosomal recessive form. Last evaluated: 2024-04-24. Review status: criteria provided, single submitter. Criteria: ACMG Guidelines, 2015. Collection method: clinical testing. Allele origin: germline.

Genomic Medicine Center of Excellence, King Faisal Specialist Hospital and Research Centre
Classification: Pathogenic for Congenital myotonia, autosomal dominant form. Last evaluated: 2024-04-04. Review status: criteria provided, single submitter. Criteria: ACMG Guidelines, 2015. Collection method: clinical testing. Allele origin: germline.

Laboratory of Medical Genetics, National & Kapodistrian University of Athens
Classification: Pathogenic for Congenital myotonia, autosomal recessive form. Last evaluated: 2024-02-20. Review status: criteria provided, single submitter. Criteria: ACMG Guidelines, 2015. Collection method: clinical testing. Allele origin: germline. Affected: yes.

Broad Center for Mendelian Genomics, Broad Institute of MIT and Harvard
Classification: Pathogenic for Congenital myotonia, autosomal recessive form. Last evaluated: 2023-05-02. Review status: criteria provided, single submitter. Criteria: ACMG Guidelines, 2015. Collection method: curation. Allele origin: germline. Inheritance: Autosomal dominant inheritance.
Comment: The c.1471+1G>A variant in CLNC1 has been previously reported in 12 unrelated individuals with autosomal recessive myotonia congenita (PMID: 33304817, PMID: 25438602, PMID: 22094069, PMID: 27614575, PMID: 31544778, PMID: 25065301, PMID: 22521272, PMID: 24349310, PMID: 8533761) but has been identified in 0.001% (1/68044) of European (non-Finnish) chromosomes by the Genome Aggregation Database (gnomAD; dbSNP ID: rs375596425). Although this variant has been seen in the general population in a heterozygous state, its frequency is low enough to be consistent with a recessive carrier frequency. This variant has also been reported in ClinVar (Variation ID: 447052) and has been interpreted as pathogenic or likely pathogenic by multiple submitters. Of these 12 previously reported affected unrelated individuals, 1 was a homozygote (PMID: 27614575), six were compound heterozygotes who carried pathogenic or likely pathogenic variants in trans (PMID: 22094069, ClinVar Variation ID: 289967; PMID: 27614575, PMID: 24349310, PMID: 8533761, ClinVar Variation ID: 17545), one was a compound heterozygote who carried a pathogenic variant in unknown phase (PMID: 25438602, ClinVar Variation ID: 17545; ), and two were compound heterozygotes who carried variants of uncertain significance in trans (PMID: 31544778, ClinVar Variation ID: 209138, 1013567; PMID: 25065301), which increases the likelihood that the c.1471+1G>A variant is pathogenic. RT-PCR analysis performed on RNA from affected tissue showed evidence of exon skipping of exon 13 (PMID: 17932099). This variant is located in the 5' splice region. Computational tools predict a splicing impact, though this information is not predictive enough to determine pathogenicity. Loss of function is an established disease mechanism of autosomal recessive myotonia congenita. In summary, this variant meets criteria to be classified as pathogenic for autosomal recessive myotonia congenita. ACMG/AMP Criteria applied: PVS1, PM2_Supporting, PS3_Supporting, PM3_VeryStrong (Richards 2015).

Kariminejad - Najmabadi Pathology & Genetics Center
Classification: Pathogenic for Congenital myotonia, autosomal recessive form. Last evaluated: 2022-12-07. Review status: criteria provided, single submitter. Criteria: ACMG Guidelines, 2015. Collection method: clinical testing. Allele origin: germline. Inheritance: Autosomal recessive inheritance. Affected: yes.
Comment: PVS1, PM2-Supporting, PP5] BS2?

Institute for Clinical Genetics, University Hospital TU Dresden, University Hospital TU Dresden
Classification: Pathogenic. Last evaluated: 2021-10-28. Review status: criteria provided, single submitter. Criteria: ACMG Guidelines, 2015. Collection method: clinical testing. Allele origin: germline.

GeneDx
Classification: Pathogenic. Last evaluated: 2021-10-27. Review status: criteria provided, single submitter. Criteria: GeneDx Variant Classification Process June 2021. Collection method: clinical testing. Allele origin: germline. Affected: yes.
Comment: In families where this variant has been associated with autosomal recessive inheritance, c. 1471+1 G>A has been identified as heterozygous variant in unaffected parents (Meyer-Kleine et al., 1995; Ronstedt et al., 2015); however, information about families with myotonia who only harbor the c.1471+1 G>A variant is limited.; Canonical splice site variant predicted to result in a null allele in a gene for which loss-of-function is a known mechanism of disease; Not observed at significant frequency in large population cohorts (Lek et al., 2016); This variant is associated with the following publications: (PMID: 24452722, 25065301, 27614575, 18337100, 31589614, 33304817, 8533761, 26502825)

Mayo Clinic Laboratories, Mayo Clinic
Classification: Pathogenic. Last evaluated: 2020-02-17. Review status: criteria provided, single submitter. Criteria: ACMG Guidelines, 2015. Collection method: clinical testing. Allele origin: germline. Observed: 1 variant allele.
Comment: PVS1, PS4_moderate, PM2, PM3

Revvity Omics, Revvity
Classification: Pathogenic. Last evaluated: 2019-07-08. Review status: criteria provided, single submitter. Criteria: ACMG Guidelines, 2015. Collection method: clinical testing. Allele origin: germline.

Athena Diagnostics
Classification: Pathogenic. Last evaluated: 2016-07-01. Review status: criteria provided, single submitter. Criteria: Athena Diagnostics Criteria. Collection method: clinical testing. Allele origin: germline.

Department Of Human Genetics, Institute Of Clinical And Translational Research, Biomedical Research Center, Slovak Academy Of Sciences
Classification: Likely pathogenic for Congenital myotonia, autosomal recessive form. Review status: criteria provided, single submitter. Criteria: ACMG Guidelines, 2015. Collection method: research. Allele origin: germline. Inheritance: Autosomal recessive inheritance. Affected: yes. Observed: 1 variant allele.
Comment: The c.1471+1G>A variant is listed as a disease-causing in the HGMD database (CS951379). GnomAD Exomes Version: 4.0 indicates the frequency of f = 0.0000315.

Genome Diagnostics Laboratory, Amsterdam University Medical Center
Classification: Likely pathogenic. Review status: no assertion criteria provided. Collection method: clinical testing. Allele origin: germline. Affected: yes. Study: VKGL Data-share Consensus. Not counted in ClinVar's aggregate classification.

Joint Genome Diagnostic Labs from Nijmegen and Maastricht, Radboudumc and MUMC+
Classification: Pathogenic. Review status: no assertion criteria provided. Collection method: clinical testing. Allele origin: germline. Affected: yes. Study: VKGL Data-share Consensus. Not counted in ClinVar's aggregate classification.

Literature cited by the submitters: PubMed 16199547 (cited by Labcorp Genetics (formerly Invitae), Labcorp); PubMed 17932099 (cited by Labcorp Genetics (formerly Invitae), Labcorp and Athena Diagnostics); PubMed 22094069 (cited by Labcorp Genetics (formerly Invitae), Labcorp); PubMed 23739125 (cited by Labcorp Genetics (formerly Invitae), Labcorp); PubMed 8533761 (cited by 5 submitters); PubMed 22521272 (cited by Labcorp Genetics (formerly Invitae), Labcorp); PubMed 24349310 (cited by Labcorp Genetics (formerly Invitae), Labcorp and Athena Diagnostics); PubMed 27614575 (cited by 3 submitters); PubMed 39712484 (cited by Variantyx, Inc.); PubMed 30243293 (cited by Mayo Clinic Laboratories, Mayo Clinic); PubMed 25065301 (cited by Athena Diagnostics).

NM_000083.3(CLCN1):c.1471+1G>A

Gene: CLCN1 (chloride voltage-gated channel 1; plus strand). Cytogenetic location: 7q34.
Variant type: single nucleotide variant.
Coding change: c.1471+1G>A on transcript NM_000083.3 (MANE Select); the canonical splice donor site of the intron after coding-DNA position 1471, G replaced by A.
Molecular consequence: splice donor variant.
Genome position (GRCh38, 1-based): chr7:143,339,323, G>A. VCF-style: chr7-143339323-G-A. GRCh37 (hg19) VCF-style: chr7-143036416-G-A.
Identifiers: ClinVar variation 447052 (VCV000447052.34), dbSNP rs375596425, ClinGen allele CA4537382.